The following is an entry in ClinVar:

NM_003412.4(ZIC1):c.1199G>T (p.Gly400Val)

Gene: ZIC1 (Zic family zinc finger 1; plus strand). Cytogenetic location: 3q24.
Variant type: single nucleotide variant.
Coding change: c.1199G>T on transcript NM_003412.4 (MANE Select); coding-DNA position 1199, G replaced by T.
Protein change: p.Gly400Val; replaces glycine 400 with valine.
Molecular consequence: missense variant.
Genome position (GRCh38, 1-based): chr3:147,413,406, G>T. VCF-style: chr3-147413406-G-T. GRCh37 (hg19) VCF-style: chr3-147131193-G-T.
Other names: short protein forms G400V.
Identifiers: ClinVar variation 2068722 (VCV002068722.4), dbSNP rs2107994712, ClinGen allele CA354898468.
Genomic context (GRCh38, chr3:147,413,406, plus strand): 5'-TCCTGCAGGTCCACGAATCCTCCTCGCAGGGCTCGCAGCCTTCGCCGGCCGCCAGCTCTG[G>T]CTACGAATCCTCCACGCCTCCCACCATCGTGTCTCCCTCCACAGACAACCCGACCACAAG-3'
Protein context (NP_003403.2, residues 390-410): GSQPSPAASS[Gly400Val]YESSTPPTIV

ClinVar aggregate classification (germline): Uncertain significance (1 of 4 stars; one submission).

Submission:

Labcorp Genetics (formerly Invitae), Labcorp
Classification: Uncertain significance. Last evaluated: 2025-08-11. Review status: criteria provided, single submitter. Criteria: Invitae Variant Classification Sherloc (09022015). Collection method: clinical testing. Allele origin: germline.
Comment: This sequence change replaces glycine, which is neutral and non-polar, with valine, which is neutral and non-polar, at codon 400 of the ZIC1 protein (p.Gly400Val). This variant is not present in population databases (gnomAD no frequency). This variant has not been reported in the literature in individuals affected with ZIC1-related conditions. ClinVar contains an entry for this variant (Variation ID: 2068722). Invitae Evidence Modeling of protein sequence and biophysical properties (such as structural, functional, and spatial information, amino acid conservation, physicochemical variation, residue mobility, and thermodynamic stability) indicates that this missense variant is not expected to disrupt ZIC1 protein function with a negative predictive value of 80%. This variant disrupts the p.Gly400 amino acid residue in ZIC1. Other variant(s) that disrupt this residue have been determined to be pathogenic (PMID: 26340333). This suggests that this residue is clinically significant, and that variants that disrupt this residue are likely to be disease-causing. In summary, the available evidence is currently insufficient to determine the role of this variant in disease. Therefore, it has been classified as a Variant of Uncertain Significance.

Literature cited by the submitters: PubMed 26340333.